The following is an entry in ClinVar:

ClinVar aggregate classification (germline): Uncertain significance. Review status: criteria provided, multiple submitters, no conflicts (2 of 4 stars). 2 submissions from 2 submitters: Uncertain significance (2). Last evaluated 2025-10-09.

Allele frequency attached by ClinVar (database versions not stated): TOPMed below 0.00001.

Submissions (2):

Dasa
Classification: Uncertain significance. Last evaluated: 2025-10-09. Review status: criteria provided, single submitter. Criteria: DASA Assertion Criteria. Collection method: clinical testing. Allele origin: germline.
Comment: NM_006922.4(SCN3A):c.2019+6A>G is a splice-region variant. This variant is rare in population databases. Computational prediction algorithms are consistent with a benign effect. The currently available literature and clinical evidence are not sufficient to establish a definitive association between this variant and the reported condition. Therefore, this variant is classified as a variant of uncertain significance.

Labcorp Genetics (formerly Invitae), Labcorp
Classification: Uncertain significance. Last evaluated: 2025-04-09. Review status: criteria provided, single submitter. Criteria: Invitae Variant Classification Sherloc (09022015). Collection method: clinical testing. Allele origin: germline.
Comment: This sequence change falls in intron 13 of the SCN3A gene. It does not directly change the encoded amino acid sequence of the SCN3A protein. It affects a nucleotide within the consensus splice site. This variant is not present in population databases (gnomAD no frequency). This variant has not been reported in the literature in individuals affected with SCN3A-related conditions. ClinVar contains an entry for this variant (Variation ID: 971961). Variants that disrupt the consensus splice site are a relatively common cause of aberrant splicing (PMID: 17576681, 9536098). Algorithms developed to predict the effect of sequence changes on RNA splicing suggest that this variant is not likely to affect RNA splicing. In summary, the available evidence is currently insufficient to determine the role of this variant in disease. Therefore, it has been classified as a Variant of Uncertain Significance.

Literature cited by the submitters: PubMed 17576681 (cited by Labcorp Genetics (formerly Invitae), Labcorp); PubMed 9536098 (cited by Labcorp Genetics (formerly Invitae), Labcorp).

NM_006922.4(SCN3A):c.2019+6A>G

Gene: SCN3A (sodium voltage-gated channel alpha subunit 3; minus strand). Cytogenetic location: 2q24.3.
Variant type: single nucleotide variant.
Coding change: c.2019+6A>G on transcript NM_006922.4 (MANE Select); 6 bases into the intron after coding-DNA position 2019, A replaced by G.
Molecular consequence: intron variant.
Genome position (GRCh38, 1-based): chr2:165,140,645, T>C on the plus strand (A>G on the coding strand, the complement: SCN3A is on the minus strand). VCF-style: chr2-165140645-T-C. GRCh37 (hg19) VCF-style: chr2-165997155-T-C.
Other names: c.1872+153A>G (NM_001081676.2, NM_001081677.2).
Identifiers: ClinVar variation 971961 (VCV000971961.9), dbSNP rs1687950023, ClinGen allele CA1139657317.